The following is an entry in ClinVar:

NM_000317.3(PTS):c.367C>T (p.Pro123Ser)

Gene: PTS (6-pyruvoyltetrahydropterin synthase; plus strand). Cytogenetic location: 11q23.1.
Variant type: single nucleotide variant.
Coding change: c.367C>T on transcript NM_000317.3 (MANE Select); coding-DNA position 367, C replaced by T.
Protein change: p.Pro123Ser; replaces proline 123 with serine.
Molecular consequence: missense variant.
Genome position (GRCh38, 1-based): chr11:112,233,484, C>T. VCF-style: chr11-112233484-C-T. GRCh37 (hg19) VCF-style: chr11-112104207-C-T.
Other names: c.367C>T (NM_000317.2); short protein forms P123S.
Identifiers: ClinVar variation 1067696 (VCV001067696.15), dbSNP rs141163668, ClinGen allele CA6278589.

ClinVar aggregate classification (germline): Pathogenic/Likely pathogenic. Review status: criteria provided, multiple submitters, no conflicts (2 of 4 stars). 3 submissions from 3 submitters: Pathogenic (1); Likely pathogenic (1). 1 of the submissions does not count toward it. Last evaluated 2026-02-27.

Conditions:
6-Pyruvoyl-tetrahydrobiopterin synthase deficiency. Also called: HYPERPHENYLALANINEMIA, TETRAHYDROBIOPTERIN-DEFICIENT, DUE TO PTS DEFICIENCY; BH4-deficient hyperphenylalaninemia A; PTS-Related Tetrahydrobiopterin Deficiency; PTS DEFICIENCY; 6-Pyruvoyltetrahydropterin Synthase Deficiency; Hyperphenylalanemia, BH4-deficient, A. Identifiers: Orphanet 13, Orphanet 238583, MedGen C0878676, MONDO:0009863, OMIM 261640.

Allele frequency attached by ClinVar (database versions not stated): gnomAD exomes below 0.00001; ExAC 0.00001; gnomAD 0.00001; TOPMed 0.00001; ESP Exome Variant Server 0.00008.
gnomAD v4.1: 3 of 1,613,020 alleles (0.00019%); highest among the groups gnomAD compares: Non-Finnish European, 0.000085%; no homozygotes.

Submissions (3):

GeneDx
Classification: Likely pathogenic. Last evaluated: 2026-02-27. Review status: criteria provided, single submitter. Criteria: GeneDx Variant Classification Process June 2021. Collection method: clinical testing. Allele origin: germline.
Comment: Not observed at significant frequency in large population cohorts (gnomAD); In silico analysis supports that this missense variant has a deleterious effect on protein structure/function; This variant is associated with the following publications: (PMID: 30926181, Khamooshian2022[Computational], 34214291)

Labcorp Genetics (formerly Invitae), Labcorp
Classification: Pathogenic for 6-Pyruvoyl-tetrahydrobiopterin synthase deficiency. Last evaluated: 2023-07-01. Review status: criteria provided, single submitter. Criteria: Invitae Variant Classification Sherloc (09022015). Collection method: clinical testing. Allele origin: germline.
Comment: This sequence change replaces proline, which is neutral and non-polar, with serine, which is neutral and polar, at codon 123 of the PTS protein (p.Pro123Ser). This variant is present in population databases (rs141163668, gnomAD 0.0009%). This missense change has been observed in individual(s) with 6-pyruvoyltetrahydropterin synthase deficiency (PMID: 30926181). ClinVar contains an entry for this variant (Variation ID: 1067696). An algorithm developed to predict the effect of missense changes on protein structure and function (PolyPhen-2) suggests that this variant is likely to be tolerated. For these reasons, this variant has been classified as Pathogenic.

Natera, Inc.
Classification: Likely pathogenic for 6-Pyruvoyl-tetrahydrobiopterin synthase deficiency. Last evaluated: 2020-05-27. Review status: no assertion criteria provided. Collection method: clinical testing. Allele origin: germline. Not counted in ClinVar's aggregate classification.

Literature cited by the submitters: PubMed 30926181 (cited by Labcorp Genetics (formerly Invitae), Labcorp).